The following is an entry in ClinVar:

ClinVar aggregate classification (germline): Conflicting classifications of pathogenicity. Review status: criteria provided, conflicting classifications (1 of 4 stars). 2 submissions from 2 submitters: Pathogenic (1); Likely benign (1). Last evaluated 2026-04-01.

Conditions:
Primary ciliary dyskinesia. Also called: Ciliary dyskinesia. Identifiers: Orphanet 244, MedGen C0008780, MONDO:0016575, HP:0012265.

Submissions (2):

Department of Human Genetics, Hannover Medical School
Classification: Pathogenic for Primary Ciliary Dyskinesia. Last evaluated: 2026-04-01. Review status: criteria provided, single submitter. Criteria: ACMG Guidelines, 2015. Collection method: research. Allele origin: germline. Affected: no.
Comment: Classification performed by HerediClassify using the following criteria:['PM2_supporting: Variant occures does not occur as homozygous in gnomAD.', 'PP3_splicing_supporting: Variant is predicted to have a splice effect by SpliceAI with evidence strength supporting.', 'PVS1_protein_very_strong: Transcript ENST00000682510 is predicted to undergo NMD.', "PP4_moderate: The PICADAR socre of 6.0 exceeds threshold of 6 achieving 'moderate' evidence strength."]

CeGaT Center for Human Genetics Tuebingen
Classification: Likely benign. Last evaluated: 2024-12-01. Review status: criteria provided, single submitter. Criteria: CeGaT Center For Human Genetics Tuebingen Variant Classification Criteria Version 2. Collection method: clinical testing. Allele origin: germline. Affected: yes. Observed: 1 variant allele.
Comment: DNAH14: BS2

NM_001367479.1(DNAH14):c.4910_4913del (p.Ile1637fs)

Gene: DNAH14 (dynein axonemal heavy chain 14; plus strand). Cytogenetic location: 1q42.12.
Variant type: Deletion.
Coding change: c.4910_4913del on transcript NM_001367479.1 (MANE Select); coding-DNA positions 4910 to 4913, 4 bases deleted (TTAA; older notation c.4910_4913delTTAA).
Protein change: p.Ile1637fs; shifts the reading frame from isoleucine 1637.
Molecular consequence: frameshift variant.
Genome position (GRCh38, 1-based): chr1:225,147,219-225,147,222, TTAA deleted; deleting any 4 consecutive bases within chr1:225,147,217-225,147,222 gives the same sequence; the c. name uses the placement nearest the transcript's 3' end. VCF-style (leftmost placement, unchanged base first): chr1-225147216-CAATT-C. GRCh37 (hg19) VCF-style: chr1-225334918-CAATT-C.
Other names: short protein forms I1637fs.
Identifiers: ClinVar variation 3770391 (VCV003770391.14).